The following is an entry in ClinVar:

ClinVar aggregate classification (germline): Uncertain significance. Review status: criteria provided, multiple submitters, no conflicts (2 of 4 stars). 3 submissions from 3 submitters: Uncertain significance (3). Last evaluated 2025-11-25.

Conditions:
Hereditary cancer-predisposing syndrome. Also called: Neoplastic Syndromes, Hereditary; Tumor predisposition; Hereditary Cancer Syndrome; Hereditary neoplastic syndrome. Identifiers: Orphanet 140162, MedGen C0027672, MeSH D009386, MONDO:0015356.
Hereditary breast ovarian cancer syndrome. Also called: Hereditary breast and ovarian cancer syndrome (HBOC); Hereditary breast and/or ovarian cancer syndrome; Hereditary breast and ovarian cancer; Hereditary breast and ovarian cancer syndrome; BRCA1- and BRCA2-Associated Hereditary Breast and Ovarian Cancer; Breast and ovarian cancer. Identifiers: Orphanet 145, MedGen C0677776, MeSH D061325, MONDO:0003582. Disease mechanism: loss of function.

Allele frequency attached by ClinVar (database versions not stated): gnomAD exomes below 0.00001; gnomAD 0.00001.
gnomAD v4.1: 5 of 1,612,888 alleles (0.00031%); highest among the groups gnomAD compares: Non-Finnish European, 0.00042%; no homozygotes.

Submissions (3):

Labcorp Genetics (formerly Invitae), Labcorp
Classification: Uncertain significance for Hereditary breast ovarian cancer syndrome. Last evaluated: 2025-11-25. Review status: criteria provided, single submitter. Criteria: Invitae Variant Classification Sherloc (09022015). Collection method: clinical testing. Allele origin: germline.
Comment: This variant occurs in a non-coding region of the BRCA2 gene. It does not change the encoded amino acid sequence of the BRCA2 protein. The frequency data for this variant in the population databases is considered unreliable, as metrics indicate poor data quality at this position in the gnomAD database. This variant has not been reported in the literature in individuals affected with BRCA2-related conditions. ClinVar contains an entry for this variant (Variation ID: 2774867). Experimental studies and prediction algorithms are not available or were not evaluated, and the functional significance of this variant is currently unknown. In summary, the available evidence is currently insufficient to determine the role of this variant in disease. Therefore, it has been classified as a Variant of Uncertain Significance.

Quest Diagnostics Nichols Institute San Juan Capistrano
Classification: Uncertain significance. Last evaluated: 2024-09-11. Review status: criteria provided, single submitter. Criteria: Quest Diagnostics criteria. Collection method: clinical testing. Allele origin: unknown.
Comment: The BRCA2 c.-6G>A variant has not been reported in individuals with BRCA2-related conditions in the published literature. The frequency of this variant in the general population, 0.000032 (1/31406 chromosomes (Genome Aggregation Database)), is uninformative in the assessment of its pathogenicity. Based on the available information, we are unable to determine the clinical significance of this variant.

Color Diagnostics, LLC DBA Color Health
Classification: Uncertain significance for Hereditary cancer-predisposing syndrome. Last evaluated: 2023-11-01. Review status: criteria provided, single submitter. Criteria: ACMG Guidelines, 2015. Collection method: clinical testing. Allele origin: germline.
Comment: This variant causes a G to A nucleotide substitution at the -6 position of the 5' untranslated region of the BRCA2 gene. To our knowledge, functional studies have not been reported for this variant. This variant has not been reported in individuals affected with BRCA2-related disorders in the literature. This variant has been identified in 1/31406 chromosomes in the general population by the Genome Aggregation Database (gnomAD). The available evidence is insufficient to determine the role of this variant in disease conclusively. Therefore, this variant is classified as a Variant of Uncertain Significance.

NM_000059.4(BRCA2):c.-6G>A

Gene: BRCA2 (BRCA2 DNA repair associated; plus strand). Cytogenetic location: 13q13.1.
Variant type: single nucleotide variant.
Coding change: c.-6G>A on transcript NM_000059.4 (MANE Select); 6 bases upstream of the start codon, G replaced by A.
Molecular consequence: 5 prime UTR variant. On other transcripts: non-coding transcript variant (1), intron variant (1).
Genome position (GRCh38, 1-based): chr13:32,316,455, G>A. VCF-style: chr13-32316455-G-A. GRCh37 (hg19) VCF-style: chr13-32890592-G-A.
Other names: c.-6G>A (NM_001406719.1, NM_001406720.1, NM_001406721.1); c.-303+788G>A (NM_001406722.1).
Identifiers: ClinVar variation 2774867 (VCV002774867.5), dbSNP rs1304649255, ClinGen allele CA609083261.